The following is an entry in ClinVar:

ClinVar aggregate classification (germline): Conflicting classifications of pathogenicity. Review status: criteria provided, conflicting classifications (1 of 4 stars). 2 submissions from 2 submitters: Uncertain significance (1); Likely benign (1). Last evaluated 2026-01-31.

Conditions:
Hereditary cancer-predisposing syndrome. Also called: Hereditary neoplastic syndrome; Neoplastic Syndromes, Hereditary; Hereditary Cancer Syndrome; Tumor predisposition. Identifiers: Orphanet 140162, MedGen C0027672, MeSH D009386, MONDO:0015356.
Gastrointestinal stromal tumor. Also called: Gastrointestinal stromal tumor, somatic; Gastrointestinal stroma tumor. Identifiers: Orphanet 44890, MedGen C0238198, MeSH D046152, MONDO:0011719, OMIM 606764, HP:0100723.

Allele frequency attached by ClinVar (database versions not stated): ExAC 0.00001; gnomAD exomes 0.00001.
gnomAD v4.1: 3 of 1,614,020 alleles (0.00019%); highest among the groups gnomAD compares: Admixed American, 0.005%; no homozygotes.

Submissions (2):

Labcorp Genetics (formerly Invitae), Labcorp
Classification: Uncertain significance for Gastrointestinal stromal tumor. Last evaluated: 2026-01-31. Review status: criteria provided, single submitter. Criteria: Invitae Variant Classification Sherloc (09022015). Collection method: clinical testing. Allele origin: germline.
Comment: This sequence change replaces isoleucine, which is neutral and non-polar, with threonine, which is neutral and polar, at codon 831 of the PDGFRA protein (p.Ile831Thr). This variant is present in population databases (rs779958669, gnomAD 0.009%). This variant has not been reported in the literature in individuals affected with PDGFRA-related conditions. ClinVar contains an entry for this variant (Variation ID: 569502). Invitae Evidence Modeling of protein sequence and biophysical properties (such as structural, functional, and spatial information, amino acid conservation, physicochemical variation, residue mobility, and thermodynamic stability) has been performed for this missense variant. However, the output from this modeling did not meet the statistical confidence thresholds required to predict the impact of this variant on PDGFRA protein function. In summary, the available evidence is currently insufficient to determine the role of this variant in disease. Therefore, it has been classified as a Variant of Uncertain Significance.

Ambry Genetics
Classification: Likely benign for Hereditary cancer-predisposing syndrome. Last evaluated: 2021-12-01. Review status: criteria provided, single submitter. Criteria: Ambry Variant Classification Scheme 2023. Collection method: clinical testing. Allele origin: germline.

NM_006206.6(PDGFRA):c.2492T>C (p.Ile831Thr)

Gene: PDGFRA (platelet derived growth factor receptor alpha; plus strand). Cytogenetic location: 4q12.
Variant type: single nucleotide variant.
Coding change: c.2492T>C on transcript NM_006206.6 (MANE Select); coding-DNA position 2492, T replaced by C.
Protein change: p.Ile831Thr; replaces isoleucine 831 with threonine.
Molecular consequence: missense variant.
Genome position (GRCh38, 1-based): chr4:54,285,893, T>C. VCF-style: chr4-54285893-T-C. GRCh37 (hg19) VCF-style: chr4-55152060-T-C.
Other names: c.2567T>C, p.Ile856Thr (NM_001347828.2); c.2492T>C, p.Ile831Thr (NM_001347829.2); c.2531T>C, p.Ile844Thr (NM_001347830.2); short protein forms I831T, I844T, I856T.
Identifiers: ClinVar variation 569502 (VCV000569502.11), dbSNP rs779958669, ClinGen allele CA2922879.